The following is an entry in ClinVar:

ClinVar aggregate classification (germline): Likely benign (0 of 4 stars; one submission).

Conditions:
CYP24A1-related disorder. Also called: CYP24A1-related condition.

Allele frequency attached by ClinVar (database versions not stated): TOPMed below 0.00001; gnomAD 0.00001; gnomAD exomes 0.00001.
gnomAD v4.1: 10 of 1,578,812 alleles (0.00063%); highest among the groups gnomAD compares: South Asian, 0.0035%; no homozygotes.

Submission:

PreventionGenetics, part of Exact Sciences
Classification: Likely benign for CYP24A1-related condition. Last evaluated: 2020-03-25. Review status: no assertion criteria provided. Collection method: clinical testing. Allele origin: germline.
Comment: This variant is classified as likely benign based on ACMG/AMP sequence variant interpretation guidelines (Richards et al. 2015 PMID: 25741868, with internal and published modifications).

NM_000782.5(CYP24A1):c.171C>T (p.Ala57=)

Gene: CYP24A1 (cytochrome P450 family 24 subfamily A member 1; minus strand). Cytogenetic location: 20q13.2.
Variant type: single nucleotide variant.
Coding change: c.171C>T on transcript NM_000782.5 (MANE Select); coding-DNA position 171, C replaced by T.
Protein change: p.Ala57=; no amino-acid change (alanine 57 retained).
Molecular consequence: synonymous variant.
Genome position (GRCh38, 1-based): chr20:54,173,409, G>A on the plus strand (C>T on the coding strand, the complement: CYP24A1 is on the minus strand). VCF-style: chr20-54173409-G-A. GRCh37 (hg19) VCF-style: chr20-52789948-G-A.
Other names: c.171C>T, p.Ala57= (NM_001128915.2, NM_001424340.1, NM_001424341.1 and 2 more transcripts).
Identifiers: ClinVar variation 3047178 (VCV003047178.2), dbSNP rs920429090, ClinGen allele CA316159783.